The following is an entry in ClinVar:

ClinVar aggregate classification (germline): Likely pathogenic (1 of 4 stars; one submission).

Conditions:
Neurofibromatosis, type 1 (NF1). Also called: NEUROFIBROMATOSIS, TYPE I, SOMATIC; VON RECKLINGHAUSEN DISEASE; Peripheral type neurofibromatosis; Neurofibromatosis, type I. Identifiers: Orphanet 636, MedGen C0027831, MONDO:0018975, OMIM 162200. Disease mechanism: loss of function.

Submission:

Labcorp Genetics (formerly Invitae), Labcorp
Classification: Likely pathogenic for Neurofibromatosis, type 1. Last evaluated: 2025-07-12. Review status: criteria provided, single submitter. Criteria: Invitae Variant Classification Sherloc (09022015). Collection method: clinical testing. Allele origin: germline.
Comment: This variant results in the deletion of part of exon 55 (c.8054_8097+132del) of the NF1 gene. It is expected to disrupt RNA splicing. Variants that disrupt the donor or acceptor splice site typically lead to a loss of protein function (PMID: 16199547), and loss-of-function variants in NF1 are known to be pathogenic (PMID: 10712197, 23913538). This variant is not present in population databases (gnomAD no frequency). This variant has not been reported in the literature in individuals affected with NF1-related conditions. In summary, the currently available evidence indicates that the variant is pathogenic, but additional data are needed to prove that conclusively. Therefore, this variant has been classified as Likely Pathogenic.

Literature cited by the submitters: PubMed 16199547; PubMed 10712197; PubMed 23913538.

NM_001042492.3(NF1):c.8117_8160+132del

Gene: NF1 (neurofibromin 1; plus strand). Cytogenetic location: 17q11.2.
Variant type: Deletion.
Coding change: c.8117_8160+132del on transcript NM_001042492.3 (MANE Select); coding-DNA position 8117 through 132 bases into the intron after coding-DNA position 8160, 176 bases deleted.
Molecular consequence: splice donor variant.
Genome position (GRCh38, 1-based): chr17:31,358,972-31,359,147, 176 bases deleted. GRCh37 (hg19): chr17:29,685,990-29,686,165.
Other names: c.8054_8097+132del (NM_000267.4).
Identifiers: ClinVar variation 4723026 (VCV004723026.1).